The following is an entry in ClinVar:

NM_004204.5(PIGQ):c.520G>A (p.Val174Met)

Gene: PIGQ (phosphatidylinositol glycan anchor biosynthesis class Q; plus strand). Cytogenetic location: 16p13.3.
Variant type: single nucleotide variant.
Coding change: c.520G>A on transcript NM_004204.5 (MANE Select); coding-DNA position 520, G replaced by A.
Protein change: p.Val174Met; replaces valine 174 with methionine.
Molecular consequence: missense variant.
Genome position (GRCh38, 1-based): chr16:574,594, G>A. VCF-style: chr16-574594-G-A. GRCh37 (hg19) VCF-style: chr16-624594-G-A.
Other names: c.520G>A, p.Val174Met (NM_148920.4); short protein forms V174M.
Identifiers: ClinVar variation 2197584 (VCV002197584.4), dbSNP rs2035687989, ClinGen allele CA394048910.
Genomic context (GRCh38, chr16:574,594, plus strand): 5'-GCCACCACTGCCAGCACGGGGGGCCTGGCTGCCGTCTTCGACACGGTAGCACGCAGTGAG[G>A]TGCTCTTCCGCAGTGACCGCTTTGATGAGGGCCCCGTGCGGCTGAGCCACTGGCAGTCGG-3'
Protein context (NP_004195.2, residues 164-184): AVFDTVARSE[Val174Met]LFRSDRFDEG

ClinVar aggregate classification (germline): Uncertain significance (1 of 4 stars; one submission).

Conditions:
Epilepsy. Also called: Seizure disorder. Identifiers: MedGen C0014544, MeSH D004827, MONDO:0005027.

Allele frequency attached by ClinVar (database versions not stated): gnomAD exomes below 0.00001; TOPMed below 0.00001.
gnomAD v4.1: 1 of 1,604,808 alleles (0.000062%); highest among the groups gnomAD compares: Non-Finnish European, 0.000085%; no homozygotes.

Submission:

Labcorp Genetics (formerly Invitae), Labcorp
Classification: Uncertain significance for Epilepsy. Last evaluated: 2024-08-06. Review status: criteria provided, single submitter. Criteria: Invitae Variant Classification Sherloc (09022015). Collection method: clinical testing. Allele origin: germline.
Comment: This sequence change replaces valine, which is neutral and non-polar, with methionine, which is neutral and non-polar, at codon 174 of the PIGQ protein (p.Val174Met). This variant is not present in population databases (gnomAD no frequency). This variant has not been reported in the literature in individuals affected with PIGQ-related conditions. ClinVar contains an entry for this variant (Variation ID: 2197584). An algorithm developed to predict the effect of missense changes on protein structure and function (PolyPhen-2) suggests that this variant is likely to be tolerated. In summary, the available evidence is currently insufficient to determine the role of this variant in disease. Therefore, it has been classified as a Variant of Uncertain Significance.